The following is an entry in ClinVar:

NM_000038.6(APC):c.*13A>T

Gene: APC (APC regulator of Wnt signaling pathway; plus strand). Cytogenetic location: 5q22.2.
Variant type: single nucleotide variant.
Coding change: c.*13A>T on transcript NM_000038.6 (MANE Select); 13 bases downstream of the stop codon, A replaced by T.
Molecular consequence: 3 prime UTR variant.
Genome position (GRCh38, 1-based): chr5:112,844,139, A>T. VCF-style: chr5-112844139-A-T. GRCh37 (hg19) VCF-style: chr5-112179836-A-T.
Other names: c.*13A>T (NM_001127510.3, NM_001127511.3, NM_001354895.2 and 11 more transcripts).
Identifiers: ClinVar variation 926671 (VCV000926671.3), dbSNP rs763383991, ClinGen allele CA562217621.

ClinVar aggregate classification (germline): Uncertain significance (1 of 4 stars; one submission).

Conditions:
Hereditary cancer-predisposing syndrome. Also called: Neoplastic Syndromes, Hereditary; Tumor predisposition; Hereditary Cancer Syndrome; Hereditary neoplastic syndrome. Identifiers: Orphanet 140162, MedGen C0027672, MeSH D009386, MONDO:0015356.

Allele frequency attached by ClinVar (database versions not stated): TOPMed below 0.00001.
gnomAD v4.1: 1 of 1,601,624 alleles (0.000062%); highest among the groups gnomAD compares: Non-Finnish European, 0.000086%; no homozygotes.

Submission:

Color Diagnostics, LLC DBA Color Health
Classification: Uncertain significance for Hereditary cancer-predisposing syndrome. Last evaluated: 2019-07-25. Review status: criteria provided, single submitter. Criteria: ACMG Guidelines, 2015. Collection method: clinical testing. Allele origin: germline.
Comment: This variant is located in the 3' untranslated region of the APC gene. Computational splicing tools suggest that this variant may not impact RNA splicing. To our knowledge, functional assays have not been performed for this variant nor has this variant been reported in individuals affected with hereditary cancer in the literature. This variant has been identified in 1/249296 chromosomes in the general population by the Genome Aggregation Database (gnomAD). Available evidence is insufficient to determine the role of this variant in disease conclusively. Therefore, this variant is classified as a Variant of Uncertain Significance.